The following is an entry in ClinVar:

NM_021956.5(GRIK2):c.2414C>T (p.Pro805Leu)

Gene: GRIK2 (glutamate ionotropic receptor kainate type subunit 2; plus strand). Cytogenetic location: 6q16.3.
Variant type: single nucleotide variant.
Coding change: c.2414C>T on transcript NM_021956.5 (MANE Select); coding-DNA position 2414, C replaced by T.
Protein change: p.Pro805Leu; replaces proline 805 with leucine.
Molecular consequence: missense variant.
Genome position (GRCh38, 1-based): chr6:102,055,432, C>T. VCF-style: chr6-102055432-C-T. GRCh37 (hg19) VCF-style: chr6-102503307-C-T.
Other names: c.2414C>T, p.Pro805Leu (NM_001166247.1, NM_175768.3); short protein forms P805L.
Identifiers: ClinVar variation 5037660 (VCV005037660.1).

ClinVar aggregate classification (germline): Uncertain significance (1 of 4 stars; one submission).

gnomAD v4.1: 1 of 1,613,632 alleles (0.000062%); highest among the groups gnomAD compares: South Asian, 0.0011%; no homozygotes.

Submission:

GeneDx
Classification: Uncertain significance. Last evaluated: 2026-04-25. Review status: criteria provided, single submitter. Criteria: GeneDx Variant Classification Process June 2021. Collection method: clinical testing. Allele origin: germline.
Comment: Not observed at significant frequency in large population cohorts (gnomAD); In silico analysis supports that this missense variant has a deleterious effect on protein structure/function; Has not been previously published as pathogenic or benign to our knowledge